The following is an entry in ClinVar:

ClinVar aggregate classification (germline): Likely benign. Review status: criteria provided, multiple submitters, no conflicts (2 of 4 stars). 2 submissions from 2 submitters: Likely benign (2). Last evaluated 2025-10-06.

Conditions:
GATA binding protein 1 related thrombocytopenia with dyserythropoiesis. Also called: GATA1-Related Cytopenia; GATA1-Related X-Linked Cytopenia. Identifiers: MedGen C1845837, MONDO:0100089.
Diamond-Blackfan anemia. Also called: Blackfan Diamond syndrome; Aregenerative anemia chronic congenital; Red cell aplasia, pure hereditary; Congenital hypoplastic anemia; Aase syndrome. Identifiers: Orphanet 124, MedGen C1260899, MeSH D029503, MONDO:0015253, HP:0004810.
GATA1-related disorder. Also called: GATA1-related condition.

Allele frequency attached by ClinVar (database versions not stated): gnomAD exomes 0.00001 and 0.00003; TOPMed 0.00002; gnomAD 0.00001.

Submissions (2):

PreventionGenetics, part of Exact Sciences
Classification: Likely benign for GATA1-related condition. Last evaluated: 2025-10-06. Review status: criteria provided, single submitter. Criteria: ACMG Guidelines, 2015. Collection method: clinical testing. Allele origin: germline.
Comment: This variant is classified as likely benign based on ACMG/AMP sequence variant interpretation guidelines (Richards et al. 2015 PMID: 25741868, with internal and published modifications).

Labcorp Genetics (formerly Invitae), Labcorp
Classification: Likely benign for GATA binding protein 1 related thrombocytopenia with dyserythropoiesis; Diamond-Blackfan anemia. Last evaluated: 2025-07-09. Review status: criteria provided, single submitter. Criteria: Invitae Variant Classification Sherloc (09022015). Collection method: clinical testing. Allele origin: germline.

NM_002049.4(GATA1):c.216C>T (p.Ser72=)

Gene: GATA1 (GATA binding protein 1; plus strand). Cytogenetic location: Xp11.23.
Variant type: single nucleotide variant.
Coding change: c.216C>T on transcript NM_002049.4 (MANE Select); coding-DNA position 216, C replaced by T.
Protein change: p.Ser72=; no amino-acid change (serine 72 retained).
Molecular consequence: synonymous variant.
Genome position (GRCh38, 1-based): chrX:48,791,325, C>T. VCF-style: chrX-48791325-C-T. GRCh37 (hg19) VCF-style: chrX-48649732-C-T.
Other names: c.216C>T (NM_002049.3).
Identifiers: ClinVar variation 1541439 (VCV001541439.9), dbSNP rs1180375270, ClinGen allele CA516029855.
Genomic context (GRCh38, chrX:48,791,325, plus strand): 5'-AGCCACCGCTGCAGCTGCGGCACTGGCCTACTACAGGGACGCTGAGGCCTACAGACACTC[C>T]CCAGGTAACTCCATTGAGTGGCTGTCTTGGCATTGGCTGAGTGCTGTTGGGGTTGCCATG-3'
Protein context (NP_002040.1, residues 62-82): YYRDAEAYRH[Ser72=]PVFQVYPLLN